The following is an entry in ClinVar:

ClinVar aggregate classification (germline): Uncertain significance (1 of 4 stars; one submission).

Conditions:
Dyskeratosis congenita. Identifiers: Orphanet 1775, MedGen C0265965, MONDO:0015780.

Submission:

Ambry Genetics
Classification: Uncertain significance for Dyskeratosis congenita. Last evaluated: 2023-12-14. Review status: criteria provided, single submitter. Criteria: Ambry Variant Classification Scheme 2023. Collection method: clinical testing. Allele origin: germline.
Comment: The p.L1107F variant (also known as c.3319C>T), located in coding exon 16 of the TERT gene, results from a C to T substitution at nucleotide position 3319. The leucine at codon 1107 is replaced by phenylalanine, an amino acid with highly similar properties. This amino acid position is conserved. In addition, the in silico prediction for this alteration is inconclusive. Since supporting evidence is limited at this time, the clinical significance of this alteration remains unclear.

NM_198253.3(TERT):c.3319C>T (p.Leu1107Phe)

Gene: TERT (telomerase reverse transcriptase; minus strand). Cytogenetic location: 5p15.33.
Variant type: single nucleotide variant.
Coding change: c.3319C>T on transcript NM_198253.3 (MANE Select); coding-DNA position 3319, C replaced by T.
Protein change: p.Leu1107Phe; replaces leucine 1107 with phenylalanine.
Molecular consequence: missense variant. On other transcripts: non-coding transcript variant (2).
Genome position (GRCh38, 1-based): chr5:1,253,808, G>A on the plus strand (C>T on the coding strand, the complement: TERT is on the minus strand). VCF-style: chr5-1253808-G-A. GRCh37 (hg19) VCF-style: chr5-1253923-G-A.
Other names: c.3130C>T, p.Leu1044Phe (NM_001193376.3); c.3319C>T, p.Leu1107Phe (NM_003219.1); short protein forms L1044F, L1107F.
Identifiers: ClinVar variation 3238610 (VCV003238610.1), dbSNP rs2478066991.